The following is an entry in ClinVar:

NM_004706.4(ARHGEF1):c.106G>A (p.Glu36Lys)

Gene: ARHGEF1 (Rho guanine nucleotide exchange factor 1; plus strand). Cytogenetic location: 19q13.2.
Variant type: single nucleotide variant.
Coding change: c.106G>A on transcript NM_004706.4 (MANE Select); coding-DNA position 106, G replaced by A.
Protein change: p.Glu36Lys; replaces glutamic acid 36 with lysine.
Molecular consequence: missense variant. On other transcripts: non-coding transcript variant (2).
Genome position (GRCh38, 1-based): chr19:41,888,273, G>A. VCF-style: chr19-41888273-G-A. GRCh37 (hg19) VCF-style: chr19-42392344-G-A.
Other names: c.106G>A, p.Glu36Lys (NM_001396000.1, NM_001396002.1, NM_001396003.1 and 3 more transcripts); c.151G>A, p.Glu51Lys (NM_199002.2); short protein forms E36K, E51K.
Identifiers: ClinVar variation 3630173 (VCV003630173.2).
Genomic context (GRCh38, chr19:41,888,273, plus strand): 5'-CCTGGCCTGGTTCCCGTCAGCATCATCGGGGCTGAGGATGAGGATTTTGAGAACGAGCTG[G>A]AGACAGTGAGTGGGAGATAGGGTGGAAAAGCTCTGTCCCAGGCTCAGTGTCCCGCCCCAG-3'
Protein context (NP_004697.2, residues 26-46): AEDEDFENEL[Glu36Lys]TNSEEQNSQF

ClinVar aggregate classification (germline): Uncertain significance (1 of 4 stars; one submission).

gnomAD v4.1: 1 of 1,613,850 alleles (0.000062%); highest among the groups gnomAD compares: Non-Finnish European, 0.000085%; no homozygotes.

Submission:

Labcorp Genetics (formerly Invitae), Labcorp
Classification: Uncertain significance. Last evaluated: 2024-07-31. Review status: criteria provided, single submitter. Criteria: Invitae Variant Classification Sherloc (09022015). Collection method: clinical testing. Allele origin: germline.
Comment: This sequence change replaces glutamic acid, which is acidic and polar, with lysine, which is basic and polar, at codon 51 of the ARHGEF1 protein (p.Glu51Lys). This variant is not present in population databases (gnomAD no frequency). This variant has not been reported in the literature in individuals affected with ARHGEF1-related conditions. An algorithm developed to predict the effect of missense changes on protein structure and function outputs the following: PolyPhen-2: "Benign". The lysine amino acid residue is found in multiple mammalian species, which suggests that this missense change does not adversely affect protein function. In summary, the available evidence is currently insufficient to determine the role of this variant in disease. Therefore, it has been classified as a Variant of Uncertain Significance.